The following is an entry in ClinVar:

ClinVar aggregate classification (germline): Benign. Review status: criteria provided, multiple submitters, no conflicts (2 of 4 stars). 4 submissions from 3 submitters: Benign (4). Last evaluated 2018-11-12.

Conditions:
Bardet-Biedl syndrome 8 (BBS8). Identifiers: Orphanet 110, MedGen C1859566, MONDO:0014436, OMIM 615985.
Retinitis pigmentosa (RP). Identifiers: Orphanet 791, MedGen C0035334, MeSH D012174, MONDO:0019200, OMIM 268000. Inheritance: Autosomal dominant, autosomal recessive and X linked inheritance.

Allele frequency attached by ClinVar (database versions not stated): 1000 Genomes Project 30x 0.19691; 1000 Genomes Project 0.19988; TOPMed 0.20052; gnomAD 0.20574 and 0.20866; gnomAD exomes 0.24992.

Submissions (4):

GeneDx
Classification: Benign. Last evaluated: 2018-11-12. Review status: criteria provided, single submitter. Criteria: GeneDx Variant Classification Process June 2021. Collection method: clinical testing. Allele origin: germline. Affected: yes.

Illumina Laboratory Services, Illumina
Classification: Benign for Retinitis pigmentosa. Last evaluated: 2018-01-12. Review status: criteria provided, single submitter. Criteria: ICSL Variant Classification Criteria 13 December 2019. Collection method: clinical testing. Allele origin: germline.
Comment: This variant was observed in the ICSL laboratory as part of a predisposition screen in an ostensibly healthy population. It had not been previously curated by ICSL or reported in the Human Gene Mutation Database (HGMD: prior to June 1st, 2018), and was therefore a candidate for classification through an automated scoring system. Utilizing variant allele frequency, disease prevalence and penetrance estimates, and inheritance mode, an automated score was calculated to assess if this variant is too frequent to cause the disease. Based on the score and internal cut-off values, a variant classified as benign is not then subjected to further curation. The score for this variant resulted in a classification of benign for this disease.

Illumina Laboratory Services, Illumina
Classification: Benign for Bardet-Biedl syndrome 8. Last evaluated: 2018-01-12. Review status: criteria provided, single submitter. Criteria: ICSL Variant Classification Criteria 13 December 2019. Collection method: clinical testing. Allele origin: germline.
Comment: the same text as in the submission from Illumina Laboratory Services, Illumina above.

Breakthrough Genomics
Classification: Benign. Review status: criteria provided, single submitter. Criteria: ACMG Guidelines, 2015. Collection method: not provided. Allele origin: germline. Inheritance: Autosomal recessive inheritance. Affected: yes.

NM_144596.4(TTC8):c.*238G>A

Gene: TTC8 (tetratricopeptide repeat domain 8; plus strand). Cytogenetic location: 14q31.3.
Variant type: single nucleotide variant.
Coding change: c.*238G>A on transcript NM_144596.4 (MANE Select); 238 bases downstream of the stop codon, G replaced by A.
Molecular consequence: 3 prime UTR variant. On other transcripts: non-coding transcript variant (1).
Genome position (GRCh38, 1-based): chr14:88,877,648, G>A. VCF-style: chr14-88877648-G-A. GRCh37 (hg19) VCF-style: chr14-89343992-G-A.
Other names: c.*238G>A (NM_001288781.1, NM_001288782.1, NM_001288783.1 and 4 more transcripts).
Identifiers: ClinVar variation 314807 (VCV000314807.7), dbSNP rs1048190, ClinGen allele CA10645228.
Genomic context (GRCh38, chr14:88,877,648, plus strand): 5'-TAGTAACTTTATAAAATAATATTATAAAATACAGGATTTAAACCTTTCTAAATAGATCCT[G>A]AAACTGTCTCTCACATTATATAGTAGATGTTTGTTTATAATGTTTACAAAACATTTTGGT-3'